The following is an entry in ClinVar:

NM_001378454.1(ALMS1):c.4765C>A (p.His1589Asn)

Gene: ALMS1 (ALMS1 centrosome and basal body associated protein; plus strand). Cytogenetic location: 2p13.1.
Variant type: single nucleotide variant.
Coding change: c.4765C>A on transcript NM_001378454.1 (MANE Select); coding-DNA position 4765, C replaced by A.
Protein change: p.His1589Asn; replaces histidine 1589 with asparagine.
Molecular consequence: missense variant.
Genome position (GRCh38, 1-based): chr2:73,451,292, C>A. VCF-style: chr2-73451292-C-A. GRCh37 (hg19) VCF-style: chr2-73678419-C-A.
Other names: c.4768C>A, p.His1590Asn (NM_015120.4); short protein forms H1590N, H1589N.
Identifiers: ClinVar variation 599290 (VCV000599290.6), dbSNP rs771703863, ClinGen allele CA1713761.

ClinVar aggregate classification (germline): Uncertain significance. Review status: criteria provided, multiple submitters, no conflicts (2 of 4 stars). 3 submissions from 3 submitters: Uncertain significance (2). 1 of the submissions does not count toward it. Last evaluated 2025-12-09.

Conditions:
Alstrom syndrome (ALMS). Identifiers: Orphanet 64, MedGen C0268425, MONDO:0008763, OMIM 203800.

Allele frequency attached by ClinVar (database versions not stated): ExAC 0.00001; gnomAD 0.00001; gnomAD exomes 0.00001; TOPMed 0.00002.
gnomAD v4.1: 15 of 1,613,940 alleles (0.00093%); highest among the groups gnomAD compares: Non-Finnish European, 0.00017%; no homozygotes.

Submissions (3):

Labcorp Genetics (formerly Invitae), Labcorp
Classification: Uncertain significance for Alstrom syndrome. Last evaluated: 2025-12-09. Review status: criteria provided, single submitter. Criteria: Invitae Variant Classification Sherloc (09022015). Collection method: clinical testing. Allele origin: germline.
Comment: This sequence change replaces histidine, which is basic and polar, with asparagine, which is neutral and polar, at codon 1590 of the ALMS1 protein (p.His1590Asn). This variant is present in population databases (rs771703863, gnomAD 0.03%). This variant has not been reported in the literature in individuals affected with ALMS1-related conditions. ClinVar contains an entry for this variant (Variation ID: 599290). Experimental studies and prediction algorithms are not available or were not evaluated, and the functional significance of this variant is currently unknown. In summary, the available evidence is currently insufficient to determine the role of this variant in disease. Therefore, it has been classified as a Variant of Uncertain Significance.

Women's Health and Genetics/Laboratory Corporation of America, LabCorp
Classification: Uncertain significance. Last evaluated: 2018-03-12. Review status: criteria provided, single submitter. Criteria: LabCorp Variant Classification Summary - May 2015. Collection method: clinical testing. Allele origin: germline.
Comment: Variant summary: ALMS1 c.4762C>A (p.His1588Asn, alternative name c.4768C>A) results in a conservative amino acid change in the encoded protein sequence. Four of five in-silico tools predict a benign effect of the variant on protein function. The variant allele was found at a frequency of 8.3e-06 in 120628 control chromosomes. The available data on variant occurrences in the general population are insufficient to allow any conclusion about variant significance. To our knowledge, no occurrence of c.4762C>A in individuals affected with Cardiomyopathy and no experimental evidence demonstrating its impact on protein function have been reported. No clinical diagnostic laboratories have submitted clinical-significance assessments for this variant to ClinVar after 2014. Based on the evidence outlined above, the variant was classified as uncertain significance.

Natera, Inc.
Classification: Uncertain significance for Alstrom syndrome. Last evaluated: 2019-10-28. Review status: no assertion criteria provided. Collection method: clinical testing. Allele origin: germline. Not counted in ClinVar's aggregate classification.